The following is an entry in ClinVar:

ClinVar aggregate classification (germline): Uncertain significance. Review status: criteria provided, multiple submitters, no conflicts (2 of 4 stars). 4 submissions from 4 submitters: Uncertain significance (4). Last evaluated 2024-06-12.

Conditions:
Spermatogenic failure 28. Identifiers: MedGen C4748117, MONDO:0054732, OMIM 618086.
Premature ovarian failure 15. Identifiers: MedGen C4748170, MONDO:0054862, OMIM 618096.
Fanconi anemia (FA). Also called: Fanconi's anemia. Identifiers: Orphanet 84, MedGen C0015625, MeSH D005199, MONDO:0019391.

Allele frequency attached by ClinVar (database versions not stated): TOPMed below 0.00001.
gnomAD v4.1: 3 of 1,612,532 alleles (0.00019%); highest among the groups gnomAD compares: East Asian, 0.0022%; no homozygotes.

Submissions (4):

Quest Diagnostics Nichols Institute San Juan Capistrano
Classification: Uncertain significance. Last evaluated: 2024-06-12. Review status: criteria provided, single submitter. Criteria: Quest Diagnostics criteria. Collection method: clinical testing. Allele origin: unknown.
Comment: The FANCM c.972G>C (p.Arg324Ser) variant has not been reported in individuals with FANCM-related conditions in the published literature. It also has not been reported in large, multi-ethnic general populations (Genome Aggregation Database). Analysis of this variant using bioinformatics tools for the prediction of the effect of amino acid changes on protein structure and function yielded predictions that this variant is benign. Based on the available information, we are unable to determine the clinical significance of this variant.

Labcorp Genetics (formerly Invitae), Labcorp
Classification: Uncertain significance for Fanconi anemia. Last evaluated: 2023-10-09. Review status: criteria provided, single submitter. Criteria: Invitae Variant Classification Sherloc (09022015). Collection method: clinical testing. Allele origin: germline.
Comment: This sequence change replaces arginine, which is basic and polar, with serine, which is neutral and polar, at codon 324 of the FANCM protein (p.Arg324Ser). This variant is not present in population databases (gnomAD no frequency). This variant has not been reported in the literature in individuals affected with FANCM-related conditions. ClinVar contains an entry for this variant (Variation ID: 1407516). An algorithm developed to predict the effect of missense changes on protein structure and function (PolyPhen-2) suggests that this variant is likely to be tolerated. In summary, the available evidence is currently insufficient to determine the role of this variant in disease. Therefore, it has been classified as a Variant of Uncertain Significance.

Fulgent Genetics
Classification: Uncertain significance for Spermatogenic failure 28; Premature ovarian failure 15. Last evaluated: 2022-04-27. Review status: criteria provided, single submitter. Criteria: ACMG Guidelines, 2015. Collection method: clinical testing. Allele origin: unknown.

Blueprint Genetics
Classification: Uncertain significance. Last evaluated: 2021-05-06. Review status: criteria provided, single submitter. Criteria: ACMG Guidelines, 2015. Collection method: clinical testing. Allele origin: germline.

NM_020937.4(FANCM):c.972G>C (p.Arg324Ser)

Gene: FANCM (FA complementation group M; plus strand). Cytogenetic location: 14q21.2.
Variant type: single nucleotide variant.
Coding change: c.972G>C on transcript NM_020937.4 (MANE Select); coding-DNA position 972, G replaced by C.
Protein change: p.Arg324Ser; replaces arginine 324 with serine.
Molecular consequence: missense variant.
Genome position (GRCh38, 1-based): chr14:45,151,450, G>C. VCF-style: chr14-45151450-G-C. GRCh37 (hg19) VCF-style: chr14-45620653-G-C.
Other names: c.894G>C, p.Arg298Ser (NM_001308133.2); c.972G>C, p.Arg324Ser (NM_001308134.2); c.972G>C (NM_020937.3); short protein forms R298S, R324S.
Identifiers: ClinVar variation 1407516 (VCV001407516.9), dbSNP rs1886810472, ClinGen allele CA389590584.